The following is an entry in ClinVar:

ClinVar aggregate classification (germline): Likely benign. Review status: criteria provided, multiple submitters, no conflicts (2 of 4 stars). 4 submissions from 4 submitters: Likely benign (3). 1 of the submissions does not count toward it. Last evaluated 2026-04-28.

Conditions:
MLH3-related disorder. Also called: MLH3-related condition.
Colorectal cancer, hereditary nonpolyposis, type 7. Identifiers: Orphanet 144, MedGen C1858380, MONDO:0013725, OMIM 614385.

Allele frequency attached by ClinVar (database versions not stated): TOPMed 0.00004; gnomAD 0.00001; gnomAD exomes 0.00005; ExAC 0.00004.
gnomAD v4.1: 27 of 1,613,456 alleles (0.0017%); highest among the groups gnomAD compares: East Asian, 0.018%; no homozygotes.

Submissions (4):

Myriad Genetics, Inc.
Classification: Likely benign for Colorectal cancer, hereditary nonpolyposis, type 7. Last evaluated: 2026-04-28. Review status: criteria provided, single submitter. Criteria: Myriad Autosomal Dominant, Autosomal Recessive and X-Linked Classification Criteria (2023). Collection method: clinical testing. Allele origin: unknown.
Comment: This variant is considered likely benign. This variant is intronic and is not expected to impact mRNA splicing.

Labcorp Genetics (formerly Invitae), Labcorp
Classification: Likely benign for Colorectal cancer, hereditary nonpolyposis, type 7. Last evaluated: 2025-11-12. Review status: criteria provided, single submitter. Criteria: Invitae Variant Classification Sherloc (09022015). Collection method: clinical testing. Allele origin: germline.

Center for Genomic Medicine, Rigshospitalet, Copenhagen University Hospital
Classification: Likely benign. Last evaluated: 2025-03-04. Review status: criteria provided, single submitter. Criteria: ACMG Guidelines, 2015. Collection method: clinical testing. Allele origin: germline.

PreventionGenetics, part of Exact Sciences
Classification: Likely benign for MLH3-related condition. Last evaluated: 2022-02-09. Review status: no assertion criteria provided. Collection method: clinical testing. Allele origin: germline. Not counted in ClinVar's aggregate classification.
Comment: This variant is classified as likely benign based on ACMG/AMP sequence variant interpretation guidelines (Richards et al. 2015 PMID: 25741868, with internal and published modifications).

NM_001040108.2(MLH3):c.3280+9G>A

Gene: MLH3 (mutL homolog 3; minus strand). Cytogenetic location: 14q24.3.
Variant type: single nucleotide variant.
Coding change: c.3280+9G>A on transcript NM_001040108.2 (MANE Select); 9 bases into the intron after coding-DNA position 3280, G replaced by A.
Molecular consequence: intron variant.
Genome position (GRCh38, 1-based): chr14:75,046,367, C>T on the plus strand (G>A on the coding strand, the complement: MLH3 is on the minus strand). VCF-style: chr14-75046367-C-T. GRCh37 (hg19) VCF-style: chr14-75513070-C-T.
Other names: c.3280+9G>A (NM_014381.3, NM_001040108.1).
Identifiers: ClinVar variation 1109158 (VCV001109158.18), dbSNP rs766230638, ClinGen allele CA7275562.